The following is an entry in ClinVar:

NM_000321.3(RB1):c.38C>T (p.Ala13Val)

Gene: RB1 (RB transcriptional corepressor 1; plus strand). Cytogenetic location: 13q14.2.
Variant type: single nucleotide variant.
Coding change: c.38C>T on transcript NM_000321.3 (MANE Select); coding-DNA position 38, C replaced by T.
Protein change: p.Ala13Val; replaces alanine 13 with valine.
Molecular consequence: missense variant.
Genome position (GRCh38, 1-based): chr13:48,303,950, C>T. VCF-style: chr13-48303950-C-T. GRCh37 (hg19) VCF-style: chr13-48878086-C-T.
Other names: c.38C>T, p.Ala13Val (NM_001407165.1, NM_001407166.1, NM_001407167.1); short protein forms A13V.
Identifiers: ClinVar variation 2693269 (VCV002693269.3), dbSNP rs2138027251, ClinGen allele CA388250205.

ClinVar aggregate classification (germline): Uncertain significance (1 of 4 stars; one submission).

Conditions:
Retinoblastoma (RB1). Also called: RETINOBLASTOMA, SOMATIC. Identifiers: Orphanet 790, MedGen C0035335, MeSH D012175, MONDO:0008380, OMIM 180200, HP:0009919. Disease mechanism: loss of function. Inheritance: Both sporadic and heritable forms are tested..

Submission:

Labcorp Genetics (formerly Invitae), Labcorp
Classification: Uncertain significance for Retinoblastoma. Last evaluated: 2023-07-19. Review status: criteria provided, single submitter. Criteria: Invitae Variant Classification Sherloc (09022015). Collection method: clinical testing. Allele origin: germline.
Comment: In summary, the available evidence is currently insufficient to determine the role of this variant in disease. Therefore, it has been classified as a Variant of Uncertain Significance. Advanced modeling of protein sequence and biophysical properties (such as structural, functional, and spatial information, amino acid conservation, physicochemical variation, residue mobility, and thermodynamic stability) has been performed at Invitae for this missense variant, however the output from this modeling did not meet the statistical confidence thresholds required to predict the impact of this variant on RB1 protein function. This variant has not been reported in the literature in individuals affected with RB1-related conditions. This variant is not present in population databases (gnomAD no frequency). This sequence change replaces alanine, which is neutral and non-polar, with valine, which is neutral and non-polar, at codon 13 of the RB1 protein (p.Ala13Val).